The following is an entry in ClinVar:

NM_002911.4(UPF1):c.1340G>A (p.Gly447Asp)

Gene: UPF1 (UPF1 RNA helicase and ATPase; plus strand). Cytogenetic location: 19p13.11.
Variant type: single nucleotide variant.
Coding change: c.1340G>A on transcript NM_002911.4 (MANE Select); coding-DNA position 1340, G replaced by A.
Protein change: p.Gly447Asp; replaces glycine 447 with aspartic acid.
Molecular consequence: missense variant.
Genome position (GRCh38, 1-based): chr19:18,854,953, G>A. VCF-style: chr19-18854953-G-A. GRCh37 (hg19) VCF-style: chr19-18965762-G-A.
Other names: c.1373G>A, p.Gly458Asp (NM_001297549.2); short protein forms G447D, G458D.
Identifiers: ClinVar variation 2575542 (VCV002575542.1), dbSNP rs2512919966, ClinGen allele CA404878071.

ClinVar aggregate classification (germline): Uncertain significance (1 of 4 stars; one submission).

Submission:

GeneDx
Classification: Uncertain significance. Last evaluated: 2023-02-09. Review status: criteria provided, single submitter. Criteria: GeneDx Variant Classification Process June 2021. Collection method: clinical testing. Allele origin: germline. Affected: yes.
Comment: Not observed at significant frequency in large population cohorts (gnomAD); In silico analysis supports that this missense variant has a deleterious effect on protein structure/function; Has not been previously published as pathogenic or benign to our knowledge